The following is an entry in ClinVar:

NM_015466.4(PTPN23):c.3800C>T (p.Pro1267Leu)

Gene: PTPN23 (protein tyrosine phosphatase non-receptor type 23; plus strand). Cytogenetic location: 3p21.31.
Variant type: single nucleotide variant.
Coding change: c.3800C>T on transcript NM_015466.4 (MANE Select); coding-DNA position 3800, C replaced by T.
Protein change: p.Pro1267Leu; replaces proline 1267 with leucine.
Molecular consequence: missense variant.
Genome position (GRCh38, 1-based): chr3:47,411,598, C>T. VCF-style: chr3-47411598-C-T. GRCh37 (hg19) VCF-style: chr3-47453088-C-T.
Other names: c.3422C>T, p.Pro1141Leu (NM_001304482.2); short protein forms P1141L, P1267L.
Identifiers: ClinVar variation 1421223 (VCV001421223.6), dbSNP rs1418221943, ClinGen allele CA352564224.

ClinVar aggregate classification (germline): Uncertain significance (1 of 4 stars; one submission).

Allele frequency attached by ClinVar (database versions not stated): gnomAD exomes below 0.00001.
gnomAD v4.1: 1 of 1,612,504 alleles (0.000062%); highest among the groups gnomAD compares: African/African-American, 0.0013%; no homozygotes.

Submission:

Labcorp Genetics (formerly Invitae), Labcorp
Classification: Uncertain significance. Last evaluated: 2021-02-02. Review status: criteria provided, single submitter. Criteria: Invitae Variant Classification Sherloc (09022015). Collection method: clinical testing. Allele origin: germline.
Comment: In summary, the available evidence is currently insufficient to determine the role of this variant in disease. Therefore, it has been classified as a Variant of Uncertain Significance. Algorithms developed to predict the effect of missense changes on protein structure and function are either unavailable or do not agree on the potential impact of this missense change (SIFT: "Tolerated"; PolyPhen-2: "Possibly Damaging"; Align-GVGD: "Class C0"). This variant has not been reported in the literature in individuals with PTPN23-related conditions. This variant is not present in population databases (ExAC no frequency). This sequence change replaces proline with leucine at codon 1267 of the PTPN23 protein (p.Pro1267Leu). The proline residue is weakly conserved and there is a moderate physicochemical difference between proline and leucine.